The following is an entry in ClinVar:

ClinVar aggregate classification (germline): Likely pathogenic (1 of 4 stars; one submission).

Conditions:
Propionic acidemia (PROP). Also called: GLYCINEMIA, KETOTIC; HYPERGLYCINEMIA WITH KETOACIDOSIS AND LEUKOPENIA; KETOTIC HYPERGLYCINEMIA. Identifiers: Orphanet 35, MedGen C0268579, MONDO:0011628, OMIM 606054, HP:0003571.

Submission:

Victorian Clinical Genetics Services, Murdoch Childrens Research Institute
Classification: Likely pathogenic for Propionic acidemia. Last evaluated: 2024-10-11. Review status: criteria provided, single submitter. Criteria: ACMG Guidelines, 2015. Collection method: clinical testing. Allele origin: germline. Inheritance: Autosomal recessive inheritance. Affected: yes.
Comment: Based on the classification scheme VCGS_Germline_v1.3.5, this variant is classified as Likely pathogenic. The following criteria are met: 0102 - Loss of function is a known mechanism of disease in this gene and is associated with propionicacidemia (MIM#606054). (I) 0106 - This gene is associated with autosomal recessive disease. (I) 0200 - Variant is predicted to result in a missense amino acid change from histidine to tyrosine. (I) 0252 - This variant is homozygous. (I) 0301 - Variant is absent from gnomAD (v2, v3 and v4). (SP) 0501 - Missense variant consistently predicted to be damaging by multiple in silico tools and very highly conserved with a moderate amino acid change. (SP) 0600 - Variant is located in the annotated carbamoyl-phosphate synthase L chain, ATP binding domain (DECIPHER). (I) 0704 - Another missense variant comparable to the one identified in this case has limited previous evidence for pathogenicity. An alternative change to arginine has been reported as likely pathogenic (ClinVar). (SP) 0807 - This variant has no previous evidence of pathogenicity. (I) 0905 - No published segregation evidence has been identified for this variant. (I) 1007 - No published functional evidence has been identified for this variant. (I) Legend: (SP) - Supporting pathogenic, (I) - Information, (SB) - Supporting benign

NM_000282.4(PCCA):c.805C>T (p.His269Tyr)

Gene: PCCA (propionyl-CoA carboxylase subunit alpha; plus strand). Cytogenetic location: 13q32.3.
Variant type: single nucleotide variant.
Coding change: c.805C>T on transcript NM_000282.4 (MANE Select); coding-DNA position 805, C replaced by T.
Protein change: p.His269Tyr; replaces histidine 269 with tyrosine.
Molecular consequence: missense variant. On other transcripts: 5 prime UTR variant (3), non-coding transcript variant (5).
Genome position (GRCh38, 1-based): chr13:100,262,817, C>T. VCF-style: chr13-100262817-C-T. GRCh37 (hg19) VCF-style: chr13-100915071-C-T.
Other names: c.727C>T, p.His243Tyr (NM_001127692.3, NM_001352607.2, NM_001352608.2); c.805C>T, p.His269Tyr (NM_001178004.2, NM_001352605.2, NM_001352606.2 and 1 more transcripts); c.-141C>T (NM_001352610.2, NM_001352611.2, NM_001352612.2); short protein forms H243Y, H269Y.
Identifiers: ClinVar variation 870415 (VCV000870415.4), dbSNP rs2062620327, ClinGen allele CA388694399.